The following is an entry in ClinVar:

NM_007294.4(BRCA1):c.1012A>G (p.Lys338Glu)

Gene: BRCA1 (BRCA1 DNA repair associated; minus strand). Cytogenetic location: 17q21.31.
Variant type: single nucleotide variant.
Coding change: c.1012A>G on transcript NM_007294.4 (MANE Select); coding-DNA position 1012, A replaced by G.
Protein change: p.Lys338Glu; replaces lysine 338 with glutamic acid.
Molecular consequence: missense variant. On other transcripts: intron variant (137).
Genome position (GRCh38, 1-based): chr17:43,094,519, T>C on the plus strand (A>G on the coding strand, the complement: BRCA1 is on the minus strand). VCF-style: chr17-43094519-T-C. GRCh37 (hg19) VCF-style: chr17-41246536-T-C.
Other names: c.802A>G, p.Lys268Glu (NM_001407885.1, NM_001407902.1, NM_001407904.1 and 13 more transcripts); c.799A>G, p.Lys267Glu (NM_001407915.1, NM_001407916.1, NM_001407571.1 and 9 more transcripts); c.748A>G, p.Lys250Glu (NM_001407927.1, NM_001407928.1, NM_001407929.1 and 9 more transcripts); c.745A>G, p.Lys249Glu (NM_001407930.1, NM_001407931.1, NM_001407932.1 and 2 more transcripts); c.679A>G, p.Lys227Glu (NM_001407946.1, NM_001407947.1, NM_001407948.1 and 6 more transcripts); c.676A>G, p.Lys226Glu (NM_001407954.1, NM_001407955.1, NM_001407956.1 and 1 more transcripts); c.124A>G, p.Lys42Glu (NM_001407966.1, NM_001407967.1); c.871A>G, p.Lys291Glu (NM_007297.4, NM_001407692.1, NM_001407694.1 and 29 more transcripts); and 40 more; short protein forms K338E, K291E, K211E, K226E, K268E, K290E, K296E, K311E.
Identifiers: ClinVar variation 409360 (VCV000409360.21), dbSNP rs397508826, ClinGen allele CA10600036.

ClinVar aggregate classification (germline): Conflicting classifications of pathogenicity. Review status: criteria provided, conflicting classifications (1 of 4 stars). 7 submissions from 7 submitters: Uncertain significance (5); Likely benign (2). Last evaluated 2025-10-27.

Conditions:
Breast-ovarian cancer, familial, susceptibility to, 1 (BROVCA1). Also called: BRCA1 Hereditary Breast and Ovarian Cancer; OVARIAN CANCER, SUSCEPTIBILITY TO. Identifiers: Orphanet 145, MedGen C2676676, MONDO:0011450, OMIM 604370. Disease mechanism: loss of function.
Hereditary cancer-predisposing syndrome. Also called: Neoplastic Syndromes, Hereditary; Hereditary neoplastic syndrome; Hereditary Cancer Syndrome; Tumor predisposition. Identifiers: Orphanet 140162, MedGen C0027672, MeSH D009386, MONDO:0015356.
Hereditary breast ovarian cancer syndrome. Also called: Hereditary breast and ovarian cancer syndrome; Breast and ovarian cancer; Hereditary breast and ovarian cancer syndrome (HBOC); Hereditary breast and/or ovarian cancer syndrome; BRCA1- and BRCA2-Associated Hereditary Breast and Ovarian Cancer; Hereditary breast and ovarian cancer. Identifiers: Orphanet 145, MedGen C0677776, MeSH D061325, MONDO:0003582. Disease mechanism: loss of function.

gnomAD v4.1: 1 of 1,614,124 alleles (0.000062%); highest among the groups gnomAD compares: Non-Finnish European, 0.000085%; no homozygotes.

Submissions (7):

Labcorp Genetics (formerly Invitae), Labcorp
Classification: Uncertain significance for Hereditary breast ovarian cancer syndrome. Last evaluated: 2025-10-27. Review status: criteria provided, single submitter. Criteria: Invitae Variant Classification Sherloc (09022015). Collection method: clinical testing. Allele origin: germline.
Comment: This sequence change replaces lysine, which is basic and polar, with glutamic acid, which is acidic and polar, at codon 338 of the BRCA1 protein (p.Lys338Glu). This variant is not present in population databases (gnomAD no frequency). This missense change has been observed in individual(s) with breast cancer (PMID: 35957908). ClinVar contains an entry for this variant (Variation ID: 409360). Invitae Evidence Modeling of protein sequence and biophysical properties (such as structural, functional, and spatial information, amino acid conservation, physicochemical variation, residue mobility, and thermodynamic stability) indicates that this missense variant is not expected to disrupt BRCA1 protein function with a negative predictive value of 80%. In summary, the available evidence is currently insufficient to determine the role of this variant in disease. Therefore, it has been classified as a Variant of Uncertain Significance.

Myriad Genetics, Inc.
Classification: Likely benign for Breast-ovarian cancer, familial, susceptibility to, 1. Last evaluated: 2025-07-14. Review status: criteria provided, single submitter. Criteria: Myriad Autosomal Dominant, Autosomal Recessive and X-Linked Classification Criteria (2023). Collection method: clinical testing. Allele origin: unknown.
Comment: This variant is considered likely benign. This variant is strongly associated with less severe personal and family histories of cancer, typical for individuals without pathogenic variants in this gene [PMID: 25085752].

Ambry Genetics
Classification: Uncertain significance for Hereditary cancer-predisposing syndrome. Last evaluated: 2024-10-04. Review status: criteria provided, single submitter. Criteria: Ambry Variant Classification Scheme 2023. Collection method: clinical testing. Allele origin: germline.
Comment: The p.K338E variant (also known as c.1012A>G), located in coding exon 9 of the BRCA1 gene, results from an A to G substitution at nucleotide position 1012. The lysine at codon 338 is replaced by glutamic acid, an amino acid with similar properties. This amino acid position is not well conserved in available vertebrate species. In addition, the in silico prediction for this alteration is inconclusive. Based on the available evidence, the clinical significance of this variant remains unclear.

GeneDx
Classification: Uncertain significance. Last evaluated: 2023-12-12. Review status: criteria provided, single submitter. Criteria: GeneDx Variant Classification Process June 2021. Collection method: clinical testing. Allele origin: germline. Affected: yes.
Comment: Observed in a patient with breast cancer (PMID: 35957908); Not observed at significant frequency in large population cohorts (gnomAD); In silico analysis supports that this missense variant has a deleterious effect on protein structure/function; Also known as 1131A>G; This variant is associated with the following publications: (PMID: 29884841, 32377563, 20215511, 11521194, 9582019, 9926942, 15343273, 35957908)

University of Washington Department of Laboratory Medicine, University of Washington
Classification: Likely benign for Hereditary cancer-predisposing syndrome. Last evaluated: 2023-03-23. Review status: criteria provided, single submitter. Criteria: Dines et al. (Genet Med. 2020). Collection method: curation. Allele origin: germline.
Comment: Missense variant in a coldspot region where missense variants are very unlikely to be pathogenic (PMID:31911673).

BRCA1 coldspot (exon 11 using historical exon numbering). Reclassification based on statistical prior probability

Institute for Clinical Genetics, University Hospital TU Dresden, University Hospital TU Dresden
Classification: Uncertain significance. Last evaluated: 2021-11-03. Review status: criteria provided, single submitter. Criteria: ACMG Guidelines, 2015. Collection method: clinical testing. Allele origin: germline.

Women's Health and Genetics/Laboratory Corporation of America, LabCorp
Classification: Uncertain significance. Last evaluated: 2016-08-08. Review status: criteria provided, single submitter. Criteria: LabCorp Variant Classification Summary - May 2015. Collection method: clinical testing. Allele origin: germline.
Comment: Variant summary: The BRCA1 c.1012A>G (p.Lys338Glu) variant causes a missense change involving a non-conserved nucleotide with 4/4 in silico tools (SNPs&GO not captured due to low reliability index) predicting a benign outcome, although these predictions have yet to be functionally assessed. The variant of interest was not observed in controls (ExAC, 1000 Gs, or ESP), nor has it been, to our knowledge, reported in affected individuals via publications and/or reputable databases/clinical laboratories. An internal LCA reports the variant to co-occur with a pathogenic BRCA2 variant, c.5073dupA (p.Trp1692fsX3 - classified as pathogenic by LCA). Therefore, until additional information becomes available, the variant of interest has been classified as a "Variant of Uncertain Significance (VUS)."

Literature cited by the submitters: PubMed 35957908 (cited by Labcorp Genetics (formerly Invitae), Labcorp); PubMed 25085752 (cited by Myriad Genetics, Inc.).